The following is an entry in ClinVar:

NM_002878.4(RAD51D):c.144+1G>T

Genes: RAD51D (RAD51 paralog D; minus strand), RAD51L3-RFFL (RAD51L3-RFFL readthrough; minus strand). Cytogenetic location: 17q12.
Variant type: single nucleotide variant.
Coding change: c.144+1G>T on transcript NM_002878.4 (MANE Select); the canonical splice donor site of the intron after coding-DNA position 144, G replaced by T.
Molecular consequence: splice donor variant.
Genome position (GRCh38, 1-based): chr17:35,119,110, C>A on the plus strand (G>T on the coding strand, the complement: RAD51D is on the minus strand). VCF-style: chr17-35119110-C-A. GRCh37 (hg19) VCF-style: chr17-33446129-C-A.
Other names: c.144+1G>T (NM_133629.3, NM_001142571.2).
Identifiers: ClinVar variation 1098882 (VCV001098882.3), dbSNP rs2142477107, ClinGen allele CA16622122.

ClinVar aggregate classification (germline): Pathogenic/Likely pathogenic. Review status: criteria provided, multiple submitters, no conflicts (2 of 4 stars). 3 submissions from 3 submitters: Pathogenic (1); Likely pathogenic (2). Last evaluated 2025-01-15.

Conditions:
Hereditary cancer-predisposing syndrome. Also called: Tumor predisposition; Hereditary neoplastic syndrome; Hereditary Cancer Syndrome; Neoplastic Syndromes, Hereditary. Identifiers: Orphanet 140162, MedGen C0027672, MeSH D009386, MONDO:0015356.
Breast-ovarian cancer, familial, susceptibility to, 4. Identifiers: Orphanet 145, MedGen C3280345, MONDO:0013669, OMIM 614291.

Submissions (3):

Ambry Genetics
Classification: Likely pathogenic for Hereditary cancer-predisposing syndrome. Last evaluated: 2025-01-15. Review status: criteria provided, single submitter. Criteria: Ambry Variant Classification Scheme 2023. Collection method: clinical testing. Allele origin: germline.
Comment: The c.144+1G>T intronic variant results from a G to T substitution one nucleotide after coding exon 2 of the RAD51D gene. This variant has been detected in individual(s) with triple-negative breast cancer who were unselected for a family history of breast or ovarian cancer (Couch FJ et al. J Clin Oncol, 2015 Feb;33:304-11). This nucleotide position is highly conserved in available vertebrate species. In silico splice site analysis predicts that this alteration will weaken the native splice donor site and may result in the creation or strengthening of a novel splice donor site; however, direct evidence is insufficient at this time (Ambry internal data). This variant is considered to be rare based on population cohorts in the Genome Aggregation Database (gnomAD). Alterations that disrupt the canonical splice site are expected to cause aberrant splicing, resulting in an abnormal protein or a transcript that is subject to nonsense-mediated mRNA decay. As such, this alteration is classified as likely pathogenic.

Myriad Genetics, Inc.
Classification: Likely pathogenic for Breast-ovarian cancer, familial, susceptibility to, 4. Last evaluated: 2024-01-04. Review status: criteria provided, single submitter. Criteria: Myriad Autosomal Dominant, Autosomal Recessive and X-Linked Classification Criteria (2023). Collection method: clinical testing. Allele origin: unknown.
Comment: This variant is considered likely pathogenic. This variant occurs within a consensus splice junction and is predicted to result in abnormal mRNA splicing of either an out-of-frame exon or an in-frame exon necessary for protein stability and/or normal function.

Hereditary Cancer Group, L’Institut d'Investigació Biomèdica de Bellvitge
Classification: Pathogenic for Breast-ovarian cancer, familial, susceptibility to, 4. Last evaluated: 2021-05-03. Review status: criteria provided, single submitter. Criteria: ACMG Guidelines, 2015. Collection method: curation. Allele origin: germline.

Literature cited by the submitters: PubMed 25452441 (cited by Ambry Genetics); PubMed 26720728 (cited by Hereditary Cancer Group, L’Institut d'Investigació Biomèdica de Bellvitge).